The following is an entry in ClinVar:

ClinVar aggregate classification (germline): Uncertain significance. Review status: criteria provided, multiple submitters, no conflicts (2 of 4 stars). 2 submissions from 2 submitters: Uncertain significance (2). Last evaluated 2025-07-10.

Conditions:
Arrhythmogenic cardiomyopathy with wooly hair and keratoderma. Also called: Dilated cardiomyopathy with woolly hair and keratoderma; Arrhythmogenic cardiomyopathy with woolly hair and keratoderma; Carvajal syndrome; PALMOPLANTAR KERATODERMA WITH LEFT VENTRICULAR CARDIOMYOPATHY AND WOOLLY HAIR. Identifiers: Orphanet 65282, MedGen C1854063, MONDO:0011581, OMIM 605676.
Arrhythmogenic right ventricular dysplasia 8 (ARVD8). Also called: Arrhythmogenic Right Ventricular Dysplasia/Cardiomyopathy 8; ARRHYTHMOGENIC RIGHT VENTRICULAR CARDIOMYOPATHY 8; ARRHYTHMOGENIC RIGHT VENTRICULAR DYSPLASIA, FAMILIAL, 8. Identifiers: MedGen C1843896, MONDO:0011831, OMIM 607450.
Cardiomyopathy (CMYO). Also called: Cardiomyopathies. Identifiers: Orphanet 167848, MedGen C0878544, MONDO:0004994, HP:0001638. Inheritance: Various modes of inheritance.

Submissions (2):

Color Diagnostics, LLC DBA Color Health
Classification: Uncertain significance for Cardiomyopathy. Last evaluated: 2025-07-10. Review status: criteria provided, single submitter. Criteria: ACMG Guidelines, 2015. Collection method: clinical testing. Allele origin: germline.
Comment: This missense variant replaces lysine with threonine at codon 2449 of the DSP protein. Computational prediction suggests that this variant may not impact protein structure and function. To our knowledge, functional studies have not been reported for this variant. This variant has not been reported in individuals affected with DSP-related disorders in the literature. This variant has not been identified in the general population by the Genome Aggregation Database (gnomAD). The available evidence is insufficient to determine the role of this variant in disease conclusively. Therefore, this variant is classified as a Variant of Uncertain Significance.

Labcorp Genetics (formerly Invitae), Labcorp
Classification: Uncertain significance for Arrhythmogenic cardiomyopathy with wooly hair and keratoderma; Arrhythmogenic right ventricular dysplasia 8. Last evaluated: 2018-11-27. Review status: criteria provided, single submitter. Criteria: Invitae Variant Classification Sherloc (09022015). Collection method: clinical testing. Allele origin: germline.
Comment: In summary, the available evidence is currently insufficient to determine the role of this variant in disease. Therefore, it has been classified as a Variant of Uncertain Significance. Algorithms developed to predict the effect of missense changes on protein structure and function are either unavailable or do not agree on the potential impact of this missense change (SIFT: "Deleterious"; PolyPhen-2: "Possibly Damaging"; Align-GVGD: "Class C0"). This variant has not been reported in the literature in individuals with DSP-related conditions. This variant is not present in population databases (ExAC no frequency). This sequence change replaces lysine with threonine at codon 2449 of the DSP protein (p.Lys2449Thr). The lysine residue is highly conserved and there is a moderate physicochemical difference between lysine and threonine.

NM_004415.4(DSP):c.7346A>C (p.Lys2449Thr)

Gene: DSP (desmoplakin; plus strand). Cytogenetic location: 6p24.3.
Variant type: single nucleotide variant.
Coding change: c.7346A>C on transcript NM_004415.4 (MANE Select); coding-DNA position 7346, A replaced by C.
Protein change: p.Lys2449Thr; replaces lysine 2449 with threonine.
Molecular consequence: missense variant.
Genome position (GRCh38, 1-based): chr6:7,584,608, A>C. VCF-style: chr6-7584608-A-C. GRCh37 (hg19) VCF-style: chr6-7584841-A-C.
Other names: c.7346A>C (LRG_423t1); c.5549A>C, p.Lys1850Thr (NM_001008844.3); c.6017A>C, p.Lys2006Thr (NM_001319034.2); short protein forms K1850T, K2006T, K2449T.
Identifiers: ClinVar variation 661031 (VCV000661031.13), dbSNP rs1581823888, ClinGen allele CA362692795.
Genomic context (GRCh38, chr6:7,584,608, plus strand): 5'-TAAAAGAAAGATGCATTAAGGATGAGGAAACAGGGCTCTGTCTTCTGCCTCTGAAAGAAA[A>C]GAAGAAACAGGTGCAGACATCACAAAAGAATACCCTCAGGAAGCGTAGAGTGGTCATAGT-3'
Protein context (NP_004406.2, residues 2439-2459): TGLCLLPLKE[Lys2449Thr]KKQVQTSQKN